The following is an entry in ClinVar:

NM_000222.3(KIT):c.2167G>C (p.Asp723His)

Gene: KIT (KIT proto-oncogene, receptor tyrosine kinase; plus strand). Cytogenetic location: 4q12.
Variant type: single nucleotide variant.
Coding change: c.2167G>C on transcript NM_000222.3 (MANE Select); coding-DNA position 2167, G replaced by C.
Protein change: p.Asp723His; replaces aspartic acid 723 with histidine.
Molecular consequence: missense variant.
Genome position (GRCh38, 1-based): chr4:54,731,353, G>C. VCF-style: chr4-54731353-G-C. GRCh37 (hg19) VCF-style: chr4-55597519-G-C.
Other names: c.2167G>C, p.Asp723His (NM_001385290.1); c.2155G>C, p.Asp719His (NM_001385292.1, NM_001093772.2); c.2167G>C (NM_000222.2); c.2170G>C, p.Asp724His (NM_001385284.1); c.2164G>C, p.Asp722His (NM_001385285.1); c.2152G>C, p.Asp718His (NM_001385286.1); c.2158G>C, p.Asp720His (NM_001385288.1); short protein forms D724H, D722H, D723H, D718H, D720H, D719H.
Identifiers: ClinVar variation 1444826 (VCV001444826.8), dbSNP rs2109792314, ClinGen allele CA356910184.

ClinVar aggregate classification (germline): Uncertain significance. Review status: criteria provided, multiple submitters, no conflicts (2 of 4 stars). 2 submissions from 2 submitters: Uncertain significance (2). Last evaluated 2026-07-19.

Conditions:
Hereditary cancer-predisposing syndrome. Also called: Hereditary Cancer Syndrome; Tumor predisposition; Neoplastic Syndromes, Hereditary; Hereditary neoplastic syndrome. Identifiers: Orphanet 140162, MedGen C0027672, MeSH D009386, MONDO:0015356.
Gastrointestinal stromal tumor. Also called: Gastrointestinal stromal tumor, somatic; Gastrointestinal stroma tumor. Identifiers: Orphanet 44890, MedGen C0238198, MeSH D046152, MONDO:0011719, OMIM 606764, HP:0100723.

Submissions (2):

Ambry Genetics
Classification: Uncertain significance for Hereditary cancer-predisposing syndrome. Last evaluated: 2026-07-19. Review status: criteria provided, single submitter. Criteria: Ambry Variant Classification Scheme 2023. Collection method: clinical testing. Allele origin: germline.

Labcorp Genetics (formerly Invitae), Labcorp
Classification: Uncertain significance for Gastrointestinal stromal tumor. Last evaluated: 2025-08-01. Review status: criteria provided, single submitter. Criteria: Invitae Variant Classification Sherloc (09022015). Collection method: clinical testing. Allele origin: germline.
Comment: This sequence change replaces aspartic acid, which is acidic and polar, with histidine, which is basic and polar, at codon 723 of the KIT protein (p.Asp723His). This variant is not present in population databases (gnomAD no frequency). This variant has not been reported in the literature in individuals affected with KIT-related conditions. ClinVar contains an entry for this variant (Variation ID: 1444826). An algorithm developed to predict the effect of missense changes on protein structure and function (PolyPhen-2) suggests that this variant is likely to be disruptive. In summary, the available evidence is currently insufficient to determine the role of this variant in disease. Therefore, it has been classified as a Variant of Uncertain Significance.